The following is an entry in ClinVar:

ClinVar aggregate classification (germline): Uncertain significance (1 of 4 stars; one submission).

Submission:

Labcorp Genetics (formerly Invitae), Labcorp
Classification: Uncertain significance. Last evaluated: 2022-07-28. Review status: criteria provided, single submitter. Criteria: Invitae Variant Classification Sherloc (09022015). Collection method: clinical testing. Allele origin: germline.
Comment: In summary, the available evidence is currently insufficient to determine the role of this variant in disease. Therefore, it has been classified as a Variant of Uncertain Significance. Algorithms developed to predict the effect of missense changes on protein structure and function output the following: SIFT: "Tolerated"; PolyPhen-2: "Benign"; Align-GVGD: "Class C0". The serine amino acid residue is found in multiple mammalian species, which suggests that this missense change does not adversely affect protein function. This variant has not been reported in the literature in individuals affected with GRIK2-related conditions. This variant is not present in population databases (gnomAD no frequency). This sequence change replaces phenylalanine, which is neutral and non-polar, with serine, which is neutral and polar, at codon 5 of the GRIK2 protein (p.Phe5Ser).

NM_021956.5(GRIK2):c.14T>C (p.Phe5Ser)

Gene: GRIK2 (glutamate ionotropic receptor kainate type subunit 2; plus strand). Cytogenetic location: 6q16.3.
Variant type: single nucleotide variant.
Coding change: c.14T>C on transcript NM_021956.5 (MANE Select); coding-DNA position 14, T replaced by C.
Protein change: p.Phe5Ser; replaces phenylalanine 5 with serine.
Molecular consequence: missense variant.
Genome position (GRCh38, 1-based): chr6:101,399,291, T>C. VCF-style: chr6-101399291-T-C. GRCh37 (hg19) VCF-style: chr6-101847167-T-C.
Other names: c.14T>C, p.Phe5Ser (NM_001166247.1, NM_175768.3); short protein forms F5S.
Identifiers: ClinVar variation 1896567 (VCV001896567.5), dbSNP rs2482139332, ClinGen allele CA365305001.